The following is an entry in ClinVar:

ClinVar aggregate classification (germline): Uncertain significance (1 of 4 stars; one submission).

Conditions:
Inborn genetic diseases. Identifiers: MedGen C0950123, MeSH D030342.

Submission:

Ambry Genetics
Classification: Uncertain significance for Inborn genetic diseases. Last evaluated: 2026-06-22. Review status: criteria provided, single submitter. Criteria: Ambry Variant Classification Scheme 2023. Collection method: clinical testing. Allele origin: germline.
Comment: The p.I525T variant (also known as c.1574T>C), located in coding exon 1 of the SAMD9 gene, results from a T to C substitution at nucleotide position 1574. The isoleucine at codon 525 is replaced by threonine, an amino acid with similar properties. This amino acid position is conserved. In addition, the in silico prediction for this alteration is inconclusive. Based on the available evidence, the clinical significance of this variant remains unclear.

NM_017654.4(SAMD9):c.1574T>C (p.Ile525Thr)

Gene: SAMD9 (sterile alpha motif domain containing 9; minus strand). Cytogenetic location: 7q21.2.
Variant type: single nucleotide variant.
Coding change: c.1574T>C on transcript NM_017654.4 (MANE Select); coding-DNA position 1574, T replaced by C.
Protein change: p.Ile525Thr; replaces isoleucine 525 with threonine.
Molecular consequence: missense variant.
Genome position (GRCh38, 1-based): chr7:93,104,524, A>G on the plus strand (T>C on the coding strand, the complement: SAMD9 is on the minus strand). VCF-style: chr7-93104524-A-G. GRCh37 (hg19) VCF-style: chr7-92733837-A-G.
Other names: c.1574T>C, p.Ile525Thr (NM_001193307.2); short protein forms I525T.
Identifiers: ClinVar variation 5028736 (VCV005028736.1).
Genomic context (GRCh38, chr7:93,104,524, plus strand): 5'-AATAGAAATACCACCAAAAACTTCCCTCTTGGCATTATGTCTTCATGTGTAAGAAATGAA[A>G]TCAGTTTCCTGACATCAGAAGCTCTTTCTCTTTGCCAGGAACTTGGATCAAAGGGTTTAT-3'
Protein context (NP_060124.2, residues 515-535): RERASDVRKL[Ile525Thr]SFLTHEDIMP